The following is an entry in ClinVar:

NM_002336.3(LRP6):c.553A>T (p.Asn185Tyr)

Gene: LRP6 (LDL receptor related protein 6; minus strand). Cytogenetic location: 12p13.2.
Variant type: single nucleotide variant.
Coding change: c.553A>T on transcript NM_002336.3 (MANE Select); coding-DNA position 553, A replaced by T.
Protein change: p.Asn185Tyr; replaces asparagine 185 with tyrosine.
Molecular consequence: missense variant. On other transcripts: non-coding transcript variant (1), intron variant (1).
Genome position (GRCh38, 1-based): chr12:12,203,297, T>A on the plus strand (A>T on the coding strand, the complement: LRP6 is on the minus strand). VCF-style: chr12-12203297-T-A. GRCh37 (hg19) VCF-style: chr12-12356231-T-A.
Other names: c.553A>T, p.Asn185Tyr (NM_001414244.1, NM_001414245.1, NM_001414246.1 and 5 more transcripts); c.100A>T, p.Asn34Tyr (NM_001414252.1, NM_001414253.1, NM_001414254.1); c.450-16178A>T (NM_001414247.1); short protein forms N185Y, N34Y.
Identifiers: ClinVar variation 3382045 (VCV003382045.2).

ClinVar aggregate classification (germline): Uncertain significance (1 of 4 stars; one submission).

Conditions:
Coronary artery disease, autosomal dominant 2 (ADCAD2). Identifiers: MedGen C1970440, MONDO:0012586, OMIM 610947.
Tooth agenesis, selective, 7 (STHAG7). Identifiers: Orphanet 99798, MedGen C4225231, MONDO:0014749, OMIM 616724.

Submission:

Juno Genomics, Hangzhou Juno Genomics, Inc
Classification: Uncertain significance for Coronary artery disease, autosomal dominant 2; Tooth agenesis, selective, 7. Review status: criteria provided, single submitter. Criteria: ACMG Guidelines, 2015. Collection method: clinical testing. Allele origin: germline. Affected: yes.
Comment: Absent from controls (or at extremely low frequency if recessive) in Genome Aggregation Database, Exome Sequencing Project, 1000 Genomes Project, or Exome Aggregation Consortium.;Multiple lines of computational evidence support a deleterious effect on the gene or gene product (conservation, evolutionary, splicing impact, etc).